The following is an entry in ClinVar:

ClinVar aggregate classification (germline): Benign (1 of 4 stars; one submission).

Conditions:
Congenital Muscular Dystrophy, alpha-dystroglycan related.

Allele frequency attached by ClinVar (database versions not stated): gnomAD 0.01572; TOPMed 0.01719; 1000 Genomes Project 0.01957; 1000 Genomes Project 30x 0.02186.
gnomAD v4.1: 2,514 of 164,338 alleles (1.5%); highest among the groups gnomAD compares: African/African-American, 5.6%; 60 homozygotes.

Submission:

Illumina Laboratory Services, Illumina
Classification: Benign for Congenital Muscular Dystrophy, alpha-dystroglycan related. Last evaluated: 2018-01-12. Review status: criteria provided, single submitter. Criteria: ICSL Variant Classification Criteria 13 December 2019. Collection method: clinical testing. Allele origin: germline.
Comment: This variant was observed in the ICSL laboratory as part of a predisposition screen in an ostensibly healthy population. It had not been previously curated by ICSL or reported in the Human Gene Mutation Database (HGMD: prior to June 1st, 2018), and was therefore a candidate for classification through an automated scoring system. Utilizing variant allele frequency, disease prevalence and penetrance estimates, and inheritance mode, an automated score was calculated to assess if this variant is too frequent to cause the disease. Based on the score and internal cut-off values, a variant classified as benign is not then subjected to further curation. The score for this variant resulted in a classification of benign for this disease.

NM_001101426.4(CRPPA):c.*1848C>T

Gene: CRPPA (CDP-L-ribitol pyrophosphorylase A; minus strand). Cytogenetic location: 7p21.2.
Variant type: single nucleotide variant.
Coding change: c.*1848C>T on transcript NM_001101426.4 (MANE Select); 1848 bases downstream of the stop codon, C replaced by T.
Molecular consequence: 3 prime UTR variant. On other transcripts: non-coding transcript variant (1).
Genome position (GRCh38, 1-based): chr7:16,089,847, G>A on the plus strand (C>T on the coding strand, the complement: CRPPA is on the minus strand). VCF-style: chr7-16089847-G-A. GRCh37 (hg19) VCF-style: chr7-16129472-G-A.
Other names: c.*1848C>T (NM_001101417.4, NM_001368197.1).
Identifiers: ClinVar variation 359554 (VCV000359554.5), dbSNP rs78791023, ClinGen allele CA10625678.